The following is an entry in ClinVar:

ClinVar aggregate classification (germline): Likely benign. Review status: criteria provided, multiple submitters, no conflicts (2 of 4 stars). 2 submissions from 2 submitters: Likely benign (2). Last evaluated 2024-01-08.

Conditions:
Cardiomyopathy (CMYO). Also called: Cardiomyopathies. Identifiers: Orphanet 167848, MedGen C0878544, MONDO:0004994, HP:0001638. Inheritance: Various modes of inheritance.
Hypertrophic cardiomyopathy. Also called: HYPERTROPHIC MYOCARDIOPATHY. Identifiers: Orphanet 217569, MedGen C0007194, MeSH D002312, MONDO:0005045, HP:0001639.

Submissions (2):

All of Us Research Program, National Institutes of Health
Classification: Likely benign for Cardiomyopathy. Last evaluated: 2024-01-08. Review status: criteria provided, single submitter. Criteria: ACMG Guidelines, 2015. Collection method: clinical testing. Allele origin: germline. Inheritance: Autosomal dominant inheritance. Observed: 1 variant allele, 1 heterozygote.
Comment: This study involves interpretation of variants in research participants for the purpose of population health screening. Participant phenotype was not available at the time of variant classification. Additional details can be found in publication PMID: 35346344, PMCID: PMC8962531

Labcorp Genetics (formerly Invitae), Labcorp
Classification: Likely benign for Hypertrophic cardiomyopathy. Last evaluated: 2023-07-24. Review status: criteria provided, single submitter. Criteria: Invitae Variant Classification Sherloc (09022015). Collection method: clinical testing. Allele origin: germline.

NM_000257.4(MYH7):c.3645G>A (p.Gln1215=)

Gene: MYH7 (myosin heavy chain 7; minus strand). Cytogenetic location: 14q11.2.
Variant type: single nucleotide variant.
Coding change: c.3645G>A on transcript NM_000257.4 (MANE Select); coding-DNA position 3645, G replaced by A.
Protein change: p.Gln1215=; no amino-acid change (glutamine 1215 retained).
Molecular consequence: synonymous variant.
Genome position (GRCh38, 1-based): chr14:23,419,926, C>T on the plus strand (G>A on the coding strand, the complement: MYH7 is on the minus strand). VCF-style: chr14-23419926-C-T. GRCh37 (hg19) VCF-style: chr14-23889135-C-T.
Identifiers: ClinVar variation 1673542 (VCV001673542.9), dbSNP rs863225096, ClinGen allele CA485766663.